The following is an entry in ClinVar:

ClinVar aggregate classification (germline): Uncertain significance (1 of 4 stars; one submission).

Allele frequency attached by ClinVar (database versions not stated): gnomAD exomes below 0.00001.
gnomAD v4.1: 4 of 1,613,784 alleles (0.00025%); highest among the groups gnomAD compares: Non-Finnish European, 0.00034%; no homozygotes.

Submission:

GeneDx
Classification: Uncertain significance. Last evaluated: 2022-03-24. Review status: criteria provided, single submitter. Criteria: GeneDx Variant Classification Process June 2021. Collection method: clinical testing. Allele origin: germline. Affected: yes.
Comment: Not observed at significant frequency in large population cohorts (gnomAD); In silico analysis supports that this missense variant does not alter protein structure/function; Has not been previously published as pathogenic or benign to our knowledge

NM_001371596.2(MFSD8):c.59G>A (p.Ser20Asn)

Gene: MFSD8 (major facilitator superfamily domain containing 8; minus strand). Cytogenetic location: 4q28.2.
Variant type: single nucleotide variant.
Coding change: c.59G>A on transcript NM_001371596.2 (MANE Select); coding-DNA position 59, G replaced by A.
Protein change: p.Ser20Asn; replaces serine 20 with asparagine.
Molecular consequence: missense variant. On other transcripts: 5 prime UTR variant (1), intron variant (2).
Genome position (GRCh38, 1-based): chr4:127,965,075, C>T on the plus strand (G>A on the coding strand, the complement: MFSD8 is on the minus strand). VCF-style: chr4-127965075-C-T. GRCh37 (hg19) VCF-style: chr4-128886230-C-T.
Other names: c.59G>A, p.Ser20Asn (NM_001363520.3, NM_001363521.3, NM_001371591.2 and 5 more transcripts); c.-75G>A (NM_001371595.1); c.-74+822G>A (NM_001410765.1, NM_001371590.2); short protein forms S20N.
Identifiers: ClinVar variation 1707148 (VCV001707148.2), dbSNP rs1207748190, ClinGen allele CA358165713.